The following is an entry in ClinVar:

NM_000329.3(RPE65):c.1115del (p.Pro371_Leu372insTer)

Gene: RPE65 (retinoid isomerohydrolase RPE65; minus strand). Cytogenetic location: 1p31.3.
Variant type: Deletion.
Coding change: c.1115del on transcript NM_000329.3 (MANE Select); coding-DNA position 1115, one base deleted (T; older notation c.1115delT).
Protein change: p.Pro371_Leu372insTer.
Molecular consequence: nonsense.
Genome position (GRCh38, 1-based): chr1:68,438,200, A deleted on the plus strand (T on the coding strand, the reverse complement: RPE65 is on the minus strand); the first of 3 consecutive A bases (chr1:68,438,200-68,438,202); deleting any one gives the same sequence. VCF-style (leftmost placement, unchanged base first): chr1-68438199-CA-C. GRCh37 (hg19) VCF-style: chr1-68903882-CA-C.
Other names: NM_000329.3:c.1115del; c.1007del, p.Pro335_Leu336insTer (NM_001406853.1); c.839del, p.Pro279_Leu280insTer (NM_001406856.1, NM_001406857.1); c.1115del, p.Pro371_Leu372insTer (NM_001406859.1).
Identifiers: ClinVar variation 3024116 (VCV003024116.1), dbSNP rs2100816844, ClinGen allele CA2579753976.

ClinVar aggregate classification (germline): Pathogenic (3 of 4 stars; one submission).

Conditions:
RPE65-related recessive retinopathy. Also called: Recessive RPE65 retinopathy. Identifiers: MedGen CN305526, MONDO:0100368.

Submission:

ClinGen Leber Congenital Amaurosis/early Onset Retinal Dystrophy Variant Curation Expert Panel, ClinGen
Classification: Pathogenic for RPE65-related recessive retinopathy. Last evaluated: 2024-02-20. Review status: reviewed by expert panel. Criteria: ClinGen LCAeoRD ACMG Specifications RPE65 V1.0.0. Collection method: curation. Allele origin: germline. Inheritance: Autosomal recessive inheritance.
Comment: NM_000329.3(RPE65):c.1115del(p.Leu372Ter) is a deletion variant in exon 10 of 14 that introduces a premature stop codon and is predicted to trigger nonsense mediated decay in a gene in which loss-of-function is an established mechanism of disease (PVS1). This variant is also absent from gnomAD v2.1.1 (PM2_Supporting). At least one proband harboring this variant exhibits a phenotype including Retinal pigment epithelial mottling (salt-and-pepper appearance of fundus, 0.5 pts), reduction in blood-vessel diameter (0.5 pts), totally extinguished ERG response (0.5 pts for rod, 1 pt for cones), onset before 3 months of age (1 pt), reduced visual acuity (1 pt), and nyctalopia (0.5 pts), which together are specific for RPE65-related recessive retinopathy (5 points, PP4). The variant also segregated with the Leber congenital amaurosis phenotype through at least 1 affected meiosis from the proband's family (PP1; PMID: 10090910). In summary, this variant meets the criteria to be classified as Pathogenic for RPE65-related recessive retinopathy based on the ACMG/AMP criteria applied, as specified by the ClinGen LCA/eoRD VCEP: PVS1, PM2_Supporting, PM3, PP1, and PP4. (VCEP specifications version 1.0.0; date of approval 09/21/2023).